The following is an entry in ClinVar:

NM_018139.3(DNAAF2):c.1433dup (p.Ser479fs)

Gene: DNAAF2 (dynein axonemal assembly factor 2; minus strand). Cytogenetic location: 14q21.3.
Variant type: Duplication.
Coding change: c.1433dup on transcript NM_018139.3 (MANE Select); coding-DNA position 1433, one base duplicated (G; older notation c.1433dupG).
Protein change: p.Ser479fs; shifts the reading frame from serine 479.
Molecular consequence: frameshift variant. On other transcripts: 5 prime UTR variant (1).
Genome position (GRCh38, 1-based): chr14:49,633,717, C duplicated on the plus strand (G on the coding strand, the reverse complement: DNAAF2 is on the minus strand); the first of 4 consecutive C bases (chr14:49,633,717-49,633,720); duplicating any one gives the same sequence. VCF-style (leftmost placement, unchanged base first): chr14-49633716-A-AC. GRCh37 (hg19) VCF-style: chr14-50100434-A-AC.
Other names: c.1433dupG (NM_018139.2); c.1433dup, p.Ser479fs (NM_001083908.2); c.-439dup (NM_001378453.1); short protein forms S479fs.
Identifiers: ClinVar variation 525361 (VCV000525361.9), dbSNP rs1555327928, ClinGen allele CA658798212.
Genomic context (GRCh38, chr14:49,633,716, plus strand): 5'-CGACTCCTCGCGTGTTTCCACACTGCTATCTCCGCGCGCACTCTCTCTTCCCGCAGAAGA[A>AC]CCCCACGCCAGGCTCCGGGAGGACAAACAAGGGGAGCCTCCGCCACCAGGTGAGTTTTCT-3'

ClinVar aggregate classification (germline): Pathogenic (1 of 4 stars; one submission).

Conditions:
Primary ciliary dyskinesia. Also called: Ciliary dyskinesia. Identifiers: Orphanet 244, MedGen C0008780, MONDO:0016575, HP:0012265.

Submission:

Labcorp Genetics (formerly Invitae), Labcorp
Classification: Pathogenic for Primary ciliary dyskinesia. Last evaluated: 2023-08-17. Review status: criteria provided, single submitter. Criteria: Invitae Variant Classification Sherloc (09022015). Collection method: clinical testing. Allele origin: germline.
Comment: For these reasons, this variant has been classified as Pathogenic. ClinVar contains an entry for this variant (Variation ID: 525361). This variant has not been reported in the literature in individuals affected with DNAAF2-related conditions. This variant is not present in population databases (gnomAD no frequency). This sequence change creates a premature translational stop signal (p.Ser479Phefs*12) in the DNAAF2 gene. It is expected to result in an absent or disrupted protein product. Loss-of-function variants in DNAAF2 are known to be pathogenic (PMID: 19052621, 24498942).

Literature cited by the submitters: PubMed 19052621; PubMed 24498942.